The following is an entry in ClinVar:

NM_003289.4(TPM2):c.279G>C (p.Gln93His)

Gene: TPM2 (tropomyosin 2; minus strand). Cytogenetic location: 9p13.3.
Variant type: single nucleotide variant.
Coding change: c.279G>C on transcript NM_003289.4 (MANE Select); coding-DNA position 279, G replaced by C.
Protein change: p.Gln93His; replaces glutamine 93 with histidine.
Molecular consequence: missense variant.
Genome position (GRCh38, 1-based): chr9:35,685,742, C>G on the plus strand (G>C on the coding strand, the complement: TPM2 is on the minus strand). VCF-style: chr9-35685742-C-G. GRCh37 (hg19) VCF-style: chr9-35685739-C-G.
Other names: c.279G>C, p.Gln93His (NM_001301226.2, NM_001301227.2, NM_213674.1); short protein forms Q93H.
Identifiers: ClinVar variation 372795 (VCV000372795.1), dbSNP rs727504180, ClinGen allele CA16042780.

ClinVar aggregate classification (germline): Likely pathogenic (1 of 4 stars; one submission).

Submission:

GeneDx
Classification: Likely pathogenic. Last evaluated: 2016-01-27. Review status: criteria provided, single submitter. Criteria: GeneDx Variant Classification (06012015). Collection method: clinical testing. Allele origin: germline. Affected: yes.
Comment: A Q93H variant that is likely pathogenic was identified in the TPM2 gene. The Q93H variant has been reported previously in an individual with congenital myopathy; however, additional clinical information was not provided and functional characterization of the variant was not completed (Marttila et al., 2014). The Q93H variant was not observed in approximately 6,500 individuals of European and African American ancestry in the NHLBI Exome Sequencing Project, indicating it is not a common benign variant in these populations. The Q93H variant is a semi-conservative amino acid substitution, which may impact secondary protein structure as these residues differ in some properties. Additionally, this substitution occurs at a position that is conserved across species, and in silico analysis predicts this variant is probably damaging to the protein structure/function. Furthermore, missense variants at the same position (Q93R) and in nearby residues (R91G/H, E97K) have been reported in the Human Gene Mutation Database in association with TPM2-related disorders (Stenson et al., 2014), supporting the functional importance of this region of the protein. Therefore, this variant is likely pathogenic; however, the possibility that it is benign cannot be excluded.